The following is an entry in ClinVar:

ClinVar aggregate classification (germline): Pathogenic. Review status: criteria provided, multiple submitters, no conflicts (2 of 4 stars). 3 submissions from 3 submitters: Pathogenic (3). Last evaluated 2026-01-09.

Conditions:
Hereditary hemorrhagic telangiectasia (HHT). Also called: Osler hemorrhagic telangiectasia syndrome; ORW DISEASE; Osler Weber Rendu syndrome; OSLER-RENDU-WEBER DISEASE. Identifiers: Orphanet 774, MedGen C0039445, MONDO:0019180. Disease mechanism: loss of function.
Cardiovascular phenotype. Identifiers: MedGen CN230736.

Submissions (3):

Labcorp Genetics (formerly Invitae), Labcorp
Classification: Pathogenic for Hereditary hemorrhagic telangiectasia. Last evaluated: 2026-01-09. Review status: criteria provided, single submitter. Criteria: Invitae Variant Classification Sherloc (09022015). Collection method: clinical testing. Allele origin: germline.
Comment: This sequence change creates a premature translational stop signal (p.Pro75Argfs*6) in the ENG gene. It is expected to result in an absent or disrupted protein product. Loss-of-function variants in ENG are known to be pathogenic (PMID: 15879500). This variant is not present in population databases (gnomAD no frequency). This premature translational stop signal has been observed in individuals with hereditary hemorrhagic telangiectasia (PMID: 21158752). ClinVar contains an entry for this variant (Variation ID: 528051). For these reasons, this variant has been classified as Pathogenic.

Mayo Clinic Laboratories, Mayo Clinic
Classification: Pathogenic. Last evaluated: 2024-09-17. Review status: criteria provided, single submitter. Criteria: ACMG Guidelines, 2015. Collection method: clinical testing. Allele origin: germline. Observed: 1 variant allele.
Comment: PM2, PS4_supporting, PVS1

Ambry Genetics
Classification: Pathogenic for Cardiovascular phenotype. Last evaluated: 2023-07-19. Review status: criteria provided, single submitter. Criteria: Ambry Variant Classification Scheme 2023. Collection method: clinical testing. Allele origin: germline.
Comment: The c.224delC pathogenic mutation, located in coding exon 3 of the ENG gene, results from a deletion of one nucleotide at nucleotide position 224, causing a translational frameshift with a predicted alternate stop codon (p.P75Rfs*6). This mutation has been detected in a hereditary hemorrhagic telangiectasia (HHT) cohort and in an individual meeting clinical diagnostic criteria for HHT (McDonald J et al. Clin Genet. 2011;79(4):335-344; Ambry internal data). This variant is considered to be rare based on population cohorts in the Genome Aggregation Database (gnomAD). This alteration is expected to result in loss of function by premature protein truncation or nonsense-mediated mRNA decay. As such, this alteration is interpreted as a disease-causing mutation.

Literature cited by the submitters: PubMed 15879500 (cited by Labcorp Genetics (formerly Invitae), Labcorp); PubMed 21158752 (cited by 3 submitters).

NM_001114753.3(ENG):c.224del (p.Pro75fs)

Gene: ENG (endoglin; minus strand). Cytogenetic location: 9q34.11.
Variant type: Deletion.
Coding change: c.224del on transcript NM_001114753.3 (MANE Select); coding-DNA position 224, one base deleted (C; older notation c.224delC).
Protein change: p.Pro75fs; shifts the reading frame from proline 75.
Molecular consequence: frameshift variant. On other transcripts: 5 prime UTR variant (1).
Genome position (GRCh38, 1-based): chr9:127,829,823, G deleted on the plus strand (C on the coding strand, the reverse complement: ENG is on the minus strand); the first of 3 consecutive G bases (chr9:127,829,823-127,829,825); deleting any one gives the same sequence. VCF-style (leftmost placement, unchanged base first): chr9-127829822-CG-C. GRCh37 (hg19) VCF-style: chr9-130592101-CG-C.
Other names: p.Pro75Argfs*6; c.224del (NM_001114753.2); c.224delC (NM_001114753.1, NM_000118.3); c.222delC, p.Pro75Argfs (NM_000118.4, NM_001406715.1); c.-323del (NM_001278138.2); short protein forms P75fs.
Identifiers: ClinVar variation 528051 (VCV000528051.13), dbSNP rs1554810932, ClinGen allele CA658797297.